The following is an entry in ClinVar:

ClinVar aggregate classification (germline): Uncertain significance (1 of 4 stars; one submission).

gnomAD v4.1: 3 of 1,614,058 alleles (0.00019%); highest among the groups gnomAD compares: Non-Finnish European, 0.00025%; no homozygotes.

Submission:

Ambry Genetics
Classification: Uncertain significance. Last evaluated: 2025-11-26. Review status: criteria provided, single submitter. Criteria: Ambry Variant Classification Scheme 2023. Collection method: clinical testing. Allele origin: germline.
Comment: The p.P291A variant (also known as c.871C>G), located in coding exon 4 of the GALNT12 gene, results from a C to G substitution at nucleotide position 871. The proline at codon 291 is replaced by alanine, an amino acid with highly similar properties. This amino acid position is conserved. In addition, this alteration is predicted to be deleterious by in silico analysis. Based on the available evidence, the clinical significance of this variant remains unclear.

NM_024642.5(GALNT12):c.871C>G (p.Pro291Ala)

Gene: GALNT12 (polypeptide N-acetylgalactosaminyltransferase 12; plus strand). Cytogenetic location: 9q22.33.
Variant type: single nucleotide variant.
Coding change: c.871C>G on transcript NM_024642.5 (MANE Select); coding-DNA position 871, C replaced by G.
Protein change: p.Pro291Ala; replaces proline 291 with alanine.
Molecular consequence: missense variant.
Genome position (GRCh38, 1-based): chr9:98,831,911, C>G. VCF-style: chr9-98831911-C-G. GRCh37 (hg19) VCF-style: chr9-101594193-C-G.
Other names: short protein forms P291A.
Identifiers: ClinVar variation 4670632 (VCV004670632.1).